The following is an entry in ClinVar:

NM_018082.6(POLR3B):c.1702A>G (p.Ile568Val)

Gene: POLR3B (RNA polymerase III subunit B; plus strand). Cytogenetic location: 12q23.3.
Variant type: single nucleotide variant.
Coding change: c.1702A>G on transcript NM_018082.6 (MANE Select); coding-DNA position 1702, A replaced by G.
Protein change: p.Ile568Val; replaces isoleucine 568 with valine.
Molecular consequence: missense variant.
Genome position (GRCh38, 1-based): chr12:106,433,793, A>G. VCF-style: chr12-106433793-A-G. GRCh37 (hg19) VCF-style: chr12-106827571-A-G.
Other names: c.1528A>G, p.Ile510Val (NM_001160708.2); short protein forms I568V, I510V.
Identifiers: ClinVar variation 306936 (VCV000306936.14), dbSNP rs35983209, ClinGen allele CA6761998.
Genomic context (GRCh38, chr12:106,433,793, plus strand): 5'-GTCATTCGAGACCACAAAAAGCTAGTGAATACATTTCGACTCATGAGAAGAGCAGGATAT[A>G]TCAATGAATTTGTTTCCATCTCAACAAATCTTACAGATCGATGTGTCTATATTTCTTCTG-3'
Protein context (NP_060552.4, residues 558-578): TFRLMRRAGY[Ile568Val]NEFVSISTNL

ClinVar aggregate classification (germline): Uncertain significance. Review status: criteria provided, multiple submitters, no conflicts (2 of 4 stars). 4 submissions from 4 submitters: Uncertain significance (4). Last evaluated 2025-10-14.

Conditions:
Inborn genetic diseases. Identifiers: MedGen C0950123, MeSH D030342.
Leukodystrophy, hypomyelinating, 8, with or without oligodontia and/or hypogonadotropic hypogonadism. Also called: LEUKODYSTROPHY, HYPOMYELINATING, 8, WITH HYPODONTIA AND HYPOGONADOTROPIC HYPOGONADISM; Hypomyelinating leukodystrophy 8 with or without oligodontia and-or hypogonadotropic hypogonadism; Endosteal sclerosis-cerebellar hypoplasia syndrome. Identifiers: Orphanet 85186, Orphanet 88637, MedGen C3280644, MONDO:0013722, OMIM 614381.

Allele frequency attached by ClinVar (database versions not stated): gnomAD 0.00033 and 0.00036; TOPMed 0.00036; 1000 Genomes Project 0.00040; gnomAD exomes 0.00008; ExAC 0.00012; ESP Exome Variant Server 0.00031; 1000 Genomes Project 30x 0.00062.
gnomAD v4.1: 89 of 1,613,184 alleles (0.0055%); highest among the groups gnomAD compares: African/African-American, 0.11%; no homozygotes.

Submissions (4):

Ambry Genetics
Classification: Uncertain significance for Inborn genetic diseases. Last evaluated: 2025-10-14. Review status: criteria provided, single submitter. Criteria: Ambry Variant Classification Scheme 2023. Collection method: clinical testing. Allele origin: germline.

Labcorp Genetics (formerly Invitae), Labcorp
Classification: Uncertain significance. Last evaluated: 2024-05-06. Review status: criteria provided, single submitter. Criteria: Invitae Variant Classification Sherloc (09022015). Collection method: clinical testing. Allele origin: germline.
Comment: This sequence change replaces isoleucine, which is neutral and non-polar, with valine, which is neutral and non-polar, at codon 568 of the POLR3B protein (p.Ile568Val). This variant is present in population databases (rs35983209, gnomAD 0.1%). This variant has not been reported in the literature in individuals affected with POLR3B-related conditions. ClinVar contains an entry for this variant (Variation ID: 306936). Advanced modeling of protein sequence and biophysical properties (such as structural, functional, and spatial information, amino acid conservation, physicochemical variation, residue mobility, and thermodynamic stability) performed at Invitae indicates that this missense variant is not expected to disrupt POLR3B protein function with a negative predictive value of 80%. In summary, the available evidence is currently insufficient to determine the role of this variant in disease. Therefore, it has been classified as a Variant of Uncertain Significance.

Illumina Laboratory Services, Illumina
Classification: Uncertain significance for Leukodystrophy, hypomyelinating, 8, with or without oligodontia and/or hypogonadotropic hypogonadism. Last evaluated: 2018-01-12. Review status: criteria provided, single submitter. Criteria: ICSL Variant Classification Criteria 13 December 2019. Collection method: clinical testing. Allele origin: germline.

Eurofins Ntd Llc (ga)
Classification: Uncertain significance. Last evaluated: 2017-04-03. Review status: criteria provided, single submitter. Criteria: EGL Classification Definitions 2015. Collection method: clinical testing. Allele origin: germline. Observed: 1 variant allele, 1 heterozygote.